The following is an entry in ClinVar:

ClinVar aggregate classification (germline): Likely benign. Review status: criteria provided, multiple submitters, no conflicts (2 of 4 stars). 3 submissions from 3 submitters: Likely benign (3). Last evaluated 2025-11-22.

Conditions:
KIAA1549-related disorder. Also called: KIAA1549-related condition.

Allele frequency attached by ClinVar (database versions not stated): gnomAD 0.00004; gnomAD exomes 0.00006 and 0.00032; ESP Exome Variant Server 0.00008; TOPMed 0.00012; ExAC 0.00018.

Submissions (3):

Labcorp Genetics (formerly Invitae), Labcorp
Classification: Likely benign. Last evaluated: 2025-11-22. Review status: criteria provided, single submitter. Criteria: Invitae Variant Classification Sherloc (09022015). Collection method: clinical testing. Allele origin: germline.

PreventionGenetics, part of Exact Sciences
Classification: Likely benign for KIAA1549-related condition. Last evaluated: 2025-08-12. Review status: criteria provided, single submitter. Criteria: ACMG Guidelines, 2015. Collection method: clinical testing. Allele origin: germline.
Comment: This variant is classified as likely benign based on ACMG/AMP sequence variant interpretation guidelines (Richards et al. 2015 PMID: 25741868, with internal and published modifications).

Blueprint Genetics
Classification: Likely benign. Last evaluated: 2023-07-20. Review status: criteria provided, single submitter. Criteria: ACMG Guidelines, 2015. Collection method: clinical testing. Allele origin: germline.

NM_001164665.2(KIAA1549):c.577A>G (p.Met193Val)

Gene: KIAA1549 (KIAA1549; minus strand). Cytogenetic location: 7q34.
Variant type: single nucleotide variant.
Coding change: c.577A>G on transcript NM_001164665.2 (MANE Select); coding-DNA position 577, A replaced by G.
Protein change: p.Met193Val; replaces methionine 193 with valine.
Molecular consequence: missense variant.
Genome position (GRCh38, 1-based): chr7:138,919,049, T>C on the plus strand (A>G on the coding strand, the complement: KIAA1549 is on the minus strand). VCF-style: chr7-138919049-T-C. GRCh37 (hg19) VCF-style: chr7-138603795-T-C.
Other names: c.577A>G (NM_001164665.1); c.577A>G, p.Met193Val (NM_020910.3); short protein forms M193V.
Identifiers: ClinVar variation 1101358 (VCV001101358.11), dbSNP rs201399789, ClinGen allele CA4506914.